The following is an entry in ClinVar:

ClinVar aggregate classification (germline): Benign (3 of 4 stars; one submission).

Conditions:
Breast-ovarian cancer, familial, susceptibility to, 1 (BROVCA1). Also called: BRCA1 Hereditary Breast and Ovarian Cancer; OVARIAN CANCER, SUSCEPTIBILITY TO. Identifiers: Orphanet 145, MedGen C2676676, MONDO:0011450, OMIM 604370. Disease mechanism: loss of function.

Allele frequency attached by ClinVar (database versions not stated): gnomAD exomes 0.00023; 1000 Genomes Project 30x 0.00406; 1000 Genomes Project 0.00499; gnomAD 0.00507; TOPMed 0.00519.
gnomAD v4.1: 717 of 203,350 alleles (0.35%); highest among the groups gnomAD compares: African/African-American, 1.6%; 11 homozygotes.

Submission:

Evidence-based Network for the Interpretation of Germline Mutant Alleles (ENIGMA)
Classification: Benign for Breast-ovarian cancer, familial 1. Last evaluated: 2015-01-12. Review status: reviewed by expert panel. Criteria: ENIGMA BRCA1/2 Classification Criteria (2015). Collection method: curation. Allele origin: germline.
Comment: Class 1 not pathogenic based on frequency >1% in an outbred sampleset. Frequency 0.02033 (African), derived from 1000 genomes (2012-04-30).

NM_007294.4(BRCA1):c.-20+530G>A

Genes: BRCA1 (BRCA1 DNA repair associated; minus strand), LOC111589215 (BRCA1 promoter region; plus strand). Cytogenetic location: 17q21.31.
Variant type: single nucleotide variant.
Coding change: c.-20+530G>A on transcript NM_007294.4 (MANE Select); 530 bases into the intron after 20 bases upstream of the start codon, G replaced by A.
Molecular consequence: intron variant.
Genome position (GRCh38, 1-based): chr17:43,124,741, C>T on the plus strand (G>A on the coding strand, the complement: BRCA1 is on the minus strand). VCF-style: chr17-43124741-C-T. GRCh37 (hg19) VCF-style: chr17-41276758-C-T.
Other names: IVS 1+530G>A; c.-107+536G>A (NM_007297.4); c.-20+536G>A (NM_007299.4); c.-20+530G>A (NM_007300.4).
Identifiers: ClinVar variation 209576 (VCV000209576.1), dbSNP rs111462026, ClinGen allele CA276545.